The following is an entry in ClinVar:

ClinVar aggregate classification (germline): Benign/Likely benign. Review status: criteria provided, multiple submitters, no conflicts (2 of 4 stars). 8 submissions from 8 submitters: Benign (4); Likely benign (2). 2 of the submissions do not count toward it. Last evaluated 2025-06-24.

Conditions:
Spinocerebellar ataxia, autosomal recessive, with axonal neuropathy 1 (SCAN1). Identifiers: Orphanet 94124, MedGen C4759870, MONDO:0011801, OMIM 607250.

Allele frequency attached by ClinVar (database versions not stated): ESP Exome Variant Server 0.00077; gnomAD 0.00620 and 0.00630; TOPMed 0.00822; 1000 Genomes Project 0.01018; 1000 Genomes Project 30x 0.01187; ExAC 0.01337.
gnomAD v4.1: 6,412 of 1,614,076 alleles (0.4%); highest among the groups gnomAD compares: Admixed American, 10%; 402 homozygotes.

Submissions (8):

ARUP Laboratories, Molecular Genetics and Genomics, ARUP Laboratories
Classification: Benign for Spinocerebellar ataxia, autosomal recessive, with axonal neuropathy 1. Last evaluated: 2025-06-24. Review status: criteria provided, single submitter. Criteria: ARUP Molecular Germline Variant Investigation Process 2024. Collection method: clinical testing. Allele origin: germline.

Athena Diagnostics
Classification: Benign. Last evaluated: 2024-02-13. Review status: criteria provided, single submitter. Criteria: Athena Diagnostics Criteria. Collection method: clinical testing. Allele origin: unknown.

GeneDx
Classification: Benign. Last evaluated: 2021-05-05. Review status: criteria provided, single submitter. Criteria: GeneDx Variant Classification Process June 2021. Collection method: clinical testing. Allele origin: germline. Affected: yes.

Mayo Clinic Laboratories, Mayo Clinic
Classification: Benign. Last evaluated: 2019-10-01. Review status: criteria provided, single submitter. Criteria: ACMG Guidelines, 2015. Collection method: clinical testing. Allele origin: germline. Observed: 23 variant alleles.

Illumina Laboratory Services, Illumina
Classification: Likely benign for Spinocerebellar ataxia, autosomal recessive, with axonal neuropathy 1. Last evaluated: 2017-04-27. Review status: criteria provided, single submitter. Criteria: ICSL Variant Classification Criteria 13 December 2019. Collection method: clinical testing. Allele origin: germline.
Comment: This variant was observed as part of a predisposition screen in an ostensibly healthy population. A literature search was performed for the gene, cDNA change, and amino acid change (where applicable). No publications were found based on this search. Allele frequency data from public databases allowed determination this variant is unlikely to cause disease. Therefore, this variant is classified as likely benign.

Breakthrough Genomics
Classification: Likely benign. Review status: criteria provided, single submitter. Criteria: ACMG Guidelines, 2015. Collection method: not provided. Allele origin: germline. Inheritance: Autosomal recessive inheritance. Affected: yes.

Clinical Genetics DNA and cytogenetics Diagnostics Lab, Erasmus MC, Erasmus Medical Center
Classification: Benign. Review status: no assertion criteria provided. Collection method: clinical testing. Allele origin: germline. Affected: yes. Study: VKGL Data-share Consensus. Not counted in ClinVar's aggregate classification.

Clinical Genetics, Academic Medical Center
Classification: Benign. Review status: no assertion criteria provided. Collection method: clinical testing. Allele origin: germline. Affected: yes. Study: VKGL Data-share Consensus. Not counted in ClinVar's aggregate classification.

NM_018319.4(TDP1):c.302C>T (p.Pro101Leu)

Genes: TDP1 (tyrosyl-DNA phosphodiesterase 1; plus strand), LOC126862019 (CDK7 strongly-dependent group 2 enhancer GRCh37_chr14:90429220-90430419; plus strand). Cytogenetic location: 14q32.11.
Variant type: single nucleotide variant.
Coding change: c.302C>T on transcript NM_018319.4 (MANE Select); coding-DNA position 302, C replaced by T.
Protein change: p.Pro101Leu; replaces proline 101 with leucine.
Molecular consequence: missense variant.
Genome position (GRCh38, 1-based): chr14:89,963,416, C>T. VCF-style: chr14-89963416-C-T. GRCh37 (hg19) VCF-style: chr14-90429760-C-T.
Other names: c.302C>T, p.Pro101Leu (NM_001008744.2, NM_001330205.2); short protein forms P101L.
Identifiers: ClinVar variation 314825 (VCV000314825.26), dbSNP rs35455108, ClinGen allele CA7303555.